The following is an entry in ClinVar:

ClinVar aggregate classification (germline): Uncertain significance. Review status: criteria provided, multiple submitters, no conflicts (2 of 4 stars). 2 submissions from 2 submitters: Uncertain significance (2). Last evaluated 2025-08-15.

Conditions:
Inborn genetic diseases. Identifiers: MedGen C0950123, MeSH D030342.
Werner syndrome (WRN). Identifiers: Orphanet 902, MedGen C0043119, MONDO:0010196, OMIM 277700.

Allele frequency attached by ClinVar (database versions not stated): ExAC 0.00001; gnomAD exomes 0.00001 and 0.00002; TOPMed 0.00001; gnomAD 0.00003.

Submissions (2):

Labcorp Genetics (formerly Invitae), Labcorp
Classification: Uncertain significance for Werner syndrome. Last evaluated: 2025-08-15. Review status: criteria provided, single submitter. Criteria: Invitae Variant Classification Sherloc (09022015). Collection method: clinical testing. Allele origin: germline.
Comment: This sequence change replaces cysteine, which is neutral and slightly polar, with tyrosine, which is neutral and polar, at codon 1382 of the WRN protein (p.Cys1382Tyr). This variant is present in population databases (rs761450405, gnomAD 0.01%). This variant has not been reported in the literature in individuals affected with WRN-related conditions. ClinVar contains an entry for this variant (Variation ID: 952090). An algorithm developed to predict the effect of missense changes on protein structure and function outputs the following: PolyPhen-2: "Benign". The tyrosine amino acid residue is found in multiple mammalian species, which suggests that this missense change does not adversely affect protein function. In summary, the available evidence is currently insufficient to determine the role of this variant in disease. Therefore, it has been classified as a Variant of Uncertain Significance.

Ambry Genetics
Classification: Uncertain significance for Inborn genetic diseases. Last evaluated: 2024-10-07. Review status: criteria provided, single submitter. Criteria: Ambry Variant Classification Scheme 2023. Collection method: clinical testing. Allele origin: germline.

NM_000553.6(WRN):c.4145G>A (p.Cys1382Tyr)

Gene: WRN (WRN RecQ like helicase; plus strand). Cytogenetic location: 8p12.
Variant type: single nucleotide variant.
Coding change: c.4145G>A on transcript NM_000553.6 (MANE Select); coding-DNA position 4145, G replaced by A.
Protein change: p.Cys1382Tyr; replaces cysteine 1382 with tyrosine.
Molecular consequence: missense variant.
Genome position (GRCh38, 1-based): chr8:31,167,184, G>A. VCF-style: chr8-31167184-G-A. GRCh37 (hg19) VCF-style: chr8-31024700-G-A.
Other names: short protein forms C1382Y.
Identifiers: ClinVar variation 952090 (VCV000952090.7), dbSNP rs761450405, ClinGen allele CA4705271.